The following is an entry in ClinVar:

NM_025176.6(NINL):c.1637G>A (p.Arg546Gln)

Gene: NINL (ninein like; minus strand). Cytogenetic location: 20p11.21.
Variant type: single nucleotide variant.
Coding change: c.1637G>A on transcript NM_025176.6 (MANE Select); coding-DNA position 1637, G replaced by A.
Protein change: p.Arg546Gln; replaces arginine 546 with glutamine.
Molecular consequence: missense variant.
Genome position (GRCh38, 1-based): chr20:25,489,284, C>T on the plus strand (G>A on the coding strand, the complement: NINL is on the minus strand). VCF-style: chr20-25489284-C-T. GRCh37 (hg19) VCF-style: chr20-25469920-C-T.
Other names: c.1637G>A, p.Arg546Gln (NM_001318226.2); short protein forms R546Q.
Identifiers: ClinVar variation 3039538 (VCV003039538.16), dbSNP rs144999465, ClinGen allele CA9797607.

ClinVar aggregate classification (germline): Likely benign. Review status: criteria provided, single submitter (1 of 4 stars). 2 submissions from 2 submitters: Likely benign (1). 1 of the submissions does not count toward it. Last evaluated 2025-03-01.

Conditions:
NINL-related disorder. Also called: NINL-related condition.

Allele frequency attached by ClinVar (database versions not stated): ESP Exome Variant Server 0.00108; gnomAD exomes 0.00110; gnomAD 0.00111; 1000 Genomes Project 30x 0.00125; TOPMed 0.00136; 1000 Genomes Project 0.00140; ExAC 0.00167.
gnomAD v4.1: 1,864 of 1,614,082 alleles (0.12%); highest among the groups gnomAD compares: Middle Eastern, 1.2%; 10 homozygotes.

Submissions (2):

CeGaT Center for Human Genetics Tuebingen
Classification: Likely benign. Last evaluated: 2025-03-01. Review status: criteria provided, single submitter. Criteria: CeGaT Center For Human Genetics Tuebingen Variant Classification Criteria Version 2. Collection method: clinical testing. Allele origin: germline. Affected: yes. Observed: 2 variant alleles.
Comment: NINL: BP4, BS2

PreventionGenetics, part of Exact Sciences
Classification: Benign for NINL-related condition. Last evaluated: 2020-05-11. Review status: no assertion criteria provided. Collection method: clinical testing. Allele origin: germline. Not counted in ClinVar's aggregate classification.
Comment: This variant is classified as benign based on ACMG/AMP sequence variant interpretation guidelines (Richards et al. 2015 PMID: 25741868, with internal and published modifications).